The following is an entry in ClinVar:

ClinVar aggregate classification (germline): Uncertain significance. Review status: criteria provided, multiple submitters, no conflicts (2 of 4 stars). 4 submissions from 4 submitters: Uncertain significance (4). Last evaluated 2026-02-20.

Conditions:
Severe combined immunodeficiency due to DNA-PKcs deficiency. Also called: IMMUNODEFICIENCY 26 WITH NEUROLOGIC ABNORMALITIES; Immunodeficiency 26 with or without neurologic abnormalities. Identifiers: Orphanet 317425, MedGen C4014833, MONDO:0014423, OMIM 615966.
PRKDC-related disorder. Also called: PRKDC-related condition.

Allele frequency attached by ClinVar (database versions not stated): ESP Exome Variant Server 0.00017; gnomAD exomes 0.00022; ExAC 0.00023; gnomAD 0.00023 and 0.00024; TOPMed 0.00028.
gnomAD v4.1: 602 of 1,611,230 alleles (0.037%); highest among the groups gnomAD compares: Non-Finnish European, 0.049%; no homozygotes.

Submissions (4):

GeneDx
Classification: Uncertain significance. Last evaluated: 2026-02-20. Review status: criteria provided, single submitter. Criteria: GeneDx Variant Classification Process June 2021. Collection method: clinical testing. Allele origin: germline.
Comment: In silico analysis suggests that this missense variant does not alter protein structure/function; Has not been previously published as pathogenic or benign to our knowledge; This variant is associated with the following publications: (PMID: 32914035)

PreventionGenetics, part of Exact Sciences
Classification: Uncertain significance for PRKDC-related condition. Last evaluated: 2025-06-20. Review status: criteria provided, single submitter. Criteria: ACMG Guidelines, 2015. Collection method: clinical testing. Allele origin: germline.
Comment: The PRKDC c.6206G>A variant is predicted to result in the amino acid substitution p.Arg2069Gln. To our knowledge, this variant has not been reported in the literature. This variant is reported in 0.042% of alleles in individuals of European (Non-Finnish) descent in gnomAD. At this time, the clinical significance of this variant is uncertain due to the absence of conclusive functional and genetic evidence.

Labcorp Genetics (formerly Invitae), Labcorp
Classification: Uncertain significance for Severe combined immunodeficiency due to DNA-PKcs deficiency. Last evaluated: 2024-01-29. Review status: criteria provided, single submitter. Criteria: Invitae Variant Classification Sherloc (09022015). Collection method: clinical testing. Allele origin: germline.
Comment: This sequence change replaces arginine, which is basic and polar, with glutamine, which is neutral and polar, at codon 2069 of the PRKDC protein (p.Arg2069Gln). This variant is present in population databases (rs201879882, gnomAD 0.04%). This variant has not been reported in the literature in individuals affected with PRKDC-related conditions. ClinVar contains an entry for this variant (Variation ID: 664789). Algorithms developed to predict the effect of missense changes on protein structure and function output the following: SIFT: "Not Available"; PolyPhen-2: "Not Available"; Align-GVGD: "Not Available". The glutamine amino acid residue is found in multiple mammalian species, which suggests that this missense change does not adversely affect protein function. In summary, the available evidence is currently insufficient to determine the role of this variant in disease. Therefore, it has been classified as a Variant of Uncertain Significance.

Fulgent Genetics
Classification: Uncertain significance for Severe combined immunodeficiency due to DNA-PKcs deficiency. Last evaluated: 2021-07-11. Review status: criteria provided, single submitter. Criteria: ACMG Guidelines, 2015. Collection method: clinical testing. Allele origin: unknown.

NM_006904.7(PRKDC):c.6206G>A (p.Arg2069Gln)

Gene: PRKDC (protein kinase, DNA-activated, catalytic subunit; minus strand). Cytogenetic location: 8q11.21.
Variant type: single nucleotide variant.
Coding change: c.6206G>A on transcript NM_006904.7 (MANE Select); coding-DNA position 6206, G replaced by A.
Protein change: p.Arg2069Gln; replaces arginine 2069 with glutamine.
Molecular consequence: missense variant.
Genome position (GRCh38, 1-based): chr8:47,859,612, C>T on the plus strand (G>A on the coding strand, the complement: PRKDC is on the minus strand). VCF-style: chr8-47859612-C-T. GRCh37 (hg19) VCF-style: chr8-48772173-C-T.
Other names: c.6206G>A, p.Arg2069Gln (NM_001081640.2); short protein forms R2069Q.
Identifiers: ClinVar variation 664789 (VCV000664789.9), dbSNP rs201879882, ClinGen allele CA4740449.
Genomic context (GRCh38, chr8:47,859,612, plus strand): 5'-GTGACCCCCTTTCTTCACAAACATCGACAATATTCTTTTAGTATGTGAAATGTGATCACC[C>T]GTCTCCGAAAACGACCAGTGGCAGGTCTAGGGTCTTGGGAGCTGTATGAATAGCTCTGAA-3'
Protein context (NP_008835.5, residues 2059-2079): PRPATGRFRR[Arg2069Gln]EQRDPTVHDD